The following is an entry in ClinVar:

NM_001754.5(RUNX1):c.1036C>T (p.Arg346Cys)

Gene: RUNX1 (RUNX family transcription factor 1; minus strand). Cytogenetic location: 21q22.12.
Variant type: single nucleotide variant.
Coding change: c.1036C>T on transcript NM_001754.5 (MANE Select); coding-DNA position 1036, C replaced by T.
Protein change: p.Arg346Cys; replaces arginine 346 with cysteine.
Molecular consequence: missense variant.
Genome position (GRCh38, 1-based): chr21:34,792,542, G>A on the plus strand (C>T on the coding strand, the complement: RUNX1 is on the minus strand). VCF-style: chr21-34792542-G-A. GRCh37 (hg19) VCF-style: chr21-36164839-G-A.
Other names: NM_001754.5(RUNX1):c.1036C>T; p.Arg346Cys; c.955C>T, p.Arg319Cys (NM_001001890.3); short protein forms R319C, R346C.
Identifiers: ClinVar variation 2062797 (VCV002062797.6), dbSNP rs1378698695, ClinGen allele CA410148460.

ClinVar aggregate classification (germline): Uncertain significance. Review status: reviewed by expert panel (3 of 4 stars). 3 submissions from 3 submitters: Uncertain significance (1). 2 of the submissions do not count toward it. Last evaluated 2024-08-01.

Conditions:
Hereditary thrombocytopenia and hematologic cancer predisposition syndrome. Identifiers: Orphanet 71290, MedGen CN281654, MONDO:0011071.
Inborn genetic diseases. Identifiers: MedGen C0950123, MeSH D030342.
Hereditary thrombocytopenia and hematological cancer predisposition syndrome associated with RUNX1. Also called: PLATELET DISORDER, ASPIRIN-LIKE; Familial Platelet Disorder with Propensity to Acute Myelogenous Leukemia; Familial thrombocytopenia with propensity to acute myelogenous leukemia; RUNX1 Familial Platelet Disorder with Associated Myeloid Malignancies. Identifiers: Orphanet 71290, MedGen C1832388, MeSH C563324, MONDO:0100083, OMIM 601399.

Allele frequency attached by ClinVar (database versions not stated): gnomAD exomes below 0.00001.
gnomAD v4.1: 1 of 1,606,706 alleles (0.000062%); highest among the groups gnomAD compares: Non-Finnish European, 0.000085%; no homozygotes.

Submissions (3):

ClinGen Myeloid Malignancy Variant Curation Expert Panel
Classification: Uncertain significance for Hereditary thrombocytopenia and hematologic cancer predisposition syndrome. Last evaluated: 2024-08-01. Review status: reviewed by expert panel. Criteria: ClinGen MyeloMalig ACMG Specifications v2. Collection method: curation. Allele origin: germline. Inheritance: Autosomal dominant inheritance.
Comment: NM_001754.5(RUNX1):c.1036C>T (p.Arg346Cys) is a missense variant which is completely absent from all population databases with at least 20x coverage for RUNX1 in gnomAD v2.1.1 and v3.1.2 (PM2_supporting). ClinVar has one entry for this variant (Invitae, ClinVar ID 2062797), but the affected status is unknown. To our knowledge, this variant has not been reported in the literature in individuals affected with RUNX1-related conditions. In summary, the clinical significance of this variant is uncertain. ACMG/AMP criteria applied, as specified by the Myeloid Malignancy Variant Curation Expert Panel for RUNX1: PM2_supporting.

Ambry Genetics
Classification: Uncertain significance for Inborn genetic diseases. Last evaluated: 2026-03-17. Review status: criteria provided, single submitter. Criteria: Ambry Variant Classification Scheme 2023. Collection method: clinical testing. Allele origin: germline. Not counted in ClinVar's aggregate classification.
Comment: The p.R346C variant (also known as c.1036C>T), located in coding exon 8 of the RUNX1 gene, results from a C to T substitution at nucleotide position 1036. The arginine at codon 346 is replaced by cysteine, an amino acid with highly dissimilar properties. This amino acid position is conserved. In addition, this alteration is predicted to be deleterious by in silico analysis. Based on the available evidence, the clinical significance of this variant remains unclear.

Labcorp Genetics (formerly Invitae), Labcorp
Classification: Uncertain significance for Hereditary thrombocytopenia and hematological cancer predisposition syndrome associated with RUNX1. Last evaluated: 2022-03-26. Review status: criteria provided, single submitter. Criteria: Invitae Variant Classification Sherloc (09022015). Collection method: clinical testing. Allele origin: germline. Not counted in ClinVar's aggregate classification.
Comment: In summary, the available evidence is currently insufficient to determine the role of this variant in disease. Therefore, it has been classified as a Variant of Uncertain Significance. Algorithms developed to predict the effect of missense changes on protein structure and function are either unavailable or do not agree on the potential impact of this missense change (SIFT: "Tolerated"; PolyPhen-2: "Probably Damaging"; Align-GVGD: "Class C15"). This variant has not been reported in the literature in individuals affected with RUNX1-related conditions. This variant is not present in population databases (gnomAD no frequency). This sequence change replaces arginine, which is basic and polar, with cysteine, which is neutral and slightly polar, at codon 346 of the RUNX1 protein (p.Arg346Cys).